The following is an entry in ClinVar:

ClinVar aggregate classification (germline): Uncertain significance (1 of 4 stars; one submission).

Submission:

GeneDx
Classification: Uncertain significance. Last evaluated: 2024-12-13. Review status: criteria provided, single submitter. Criteria: GeneDx Variant Classification Process June 2021. Collection method: clinical testing. Allele origin: germline. Affected: yes.
Comment: Not observed at significant frequency in large population cohorts (gnomAD); In silico analysis indicates that this missense variant does not alter protein structure/function; In silico analysis is inconclusive as to whether the variant alters gene splicing. In the absence of RNA/functional studies, the actual effect of this sequence change is unknown.; Has not been previously published as pathogenic or benign to our knowledge

NM_006545.5(NPRL2):c.1073C>T (p.Thr358Ile)

Gene: NPRL2 (NPR2 like, GATOR1 complex subunit; minus strand). Cytogenetic location: 3p21.31.
Variant type: single nucleotide variant.
Coding change: c.1073C>T on transcript NM_006545.5 (MANE Select); coding-DNA position 1073, C replaced by T.
Protein change: p.Thr358Ile; replaces threonine 358 with isoleucine.
Molecular consequence: missense variant.
Genome position (GRCh38, 1-based): chr3:50,347,761, G>A on the plus strand (C>T on the coding strand, the complement: NPRL2 is on the minus strand). VCF-style: chr3-50347761-G-A. GRCh37 (hg19) VCF-style: chr3-50385192-G-A.
Other names: short protein forms T358I.
Identifiers: ClinVar variation 3903081 (VCV003903081.1).